The following is an entry in ClinVar:

ClinVar aggregate classification (germline): Conflicting classifications of pathogenicity. Review status: criteria provided, conflicting classifications (1 of 4 stars). 3 submissions from 3 submitters: Uncertain significance (1); Likely benign (1). 1 of the submissions does not count toward it. Last evaluated 2025-03-26.

Conditions:
Hereditary cancer-predisposing syndrome. Also called: Hereditary neoplastic syndrome; Neoplastic Syndromes, Hereditary; Tumor predisposition; Hereditary Cancer Syndrome. Identifiers: Orphanet 140162, MedGen C0027672, MeSH D009386, MONDO:0015356.
POLE-related disorder. Also called: POLE-related disorders; POLE-related condition.
Colorectal cancer, susceptibility to, 12 (CRCS12). Also called: COLORECTAL CANCER, SUSCEPTIBILITY TO, ON CHROMOSOME 12q24. Identifiers: Orphanet 220460, MedGen C3554460, MONDO:0014038, OMIM 615083.

Allele frequency attached by ClinVar (database versions not stated): gnomAD exomes below 0.00001.
gnomAD v4.1: 1 of 1,613,860 alleles (0.000062%); highest among the groups gnomAD compares: Non-Finnish European, 0.000085%; no homozygotes.

Submissions (3):

Ambry Genetics
Classification: Likely benign for Hereditary cancer-predisposing syndrome. Last evaluated: 2025-03-26. Review status: criteria provided, single submitter. Criteria: Ambry Variant Classification Scheme 2023. Collection method: clinical testing. Allele origin: germline.

Labcorp Genetics (formerly Invitae), Labcorp
Classification: Uncertain significance for Colorectal cancer, susceptibility to, 12. Last evaluated: 2022-10-08. Review status: criteria provided, single submitter. Criteria: Invitae Variant Classification Sherloc (09022015). Collection method: clinical testing. Allele origin: germline.
Comment: This sequence change replaces alanine, which is neutral and non-polar, with valine, which is neutral and non-polar, at codon 1778 of the POLE protein (p.Ala1778Val). This variant is not present in population databases (gnomAD no frequency). This variant has not been reported in the literature in individuals affected with POLE-related conditions. ClinVar contains an entry for this variant (Variation ID: 1508880). Advanced modeling of protein sequence and biophysical properties (such as structural, functional, and spatial information, amino acid conservation, physicochemical variation, residue mobility, and thermodynamic stability) performed at Invitae indicates that this missense variant is not expected to disrupt POLE protein function. In summary, the available evidence is currently insufficient to determine the role of this variant in disease. Therefore, it has been classified as a Variant of Uncertain Significance.

PreventionGenetics, part of Exact Sciences
Classification: Uncertain significance for POLE-related condition. Last evaluated: 2023-12-28. Review status: no assertion criteria provided. Collection method: clinical testing. Allele origin: germline. Not counted in ClinVar's aggregate classification.
Comment: The POLE c.5333C>T variant is predicted to result in the amino acid substitution p.Ala1778Val. To our knowledge, this variant has not been reported in the literature or in a large population database, indicating this variant is rare. This variant is listed in ClinVar as uncertain. At this time, the clinical significance of this variant is uncertain due to the absence of conclusive functional and genetic evidence.

NM_006231.4(POLE):c.5333C>T (p.Ala1778Val)

Gene: POLE (DNA polymerase epsilon, catalytic subunit; minus strand). Cytogenetic location: 12q24.33.
Variant type: single nucleotide variant.
Coding change: c.5333C>T on transcript NM_006231.4 (MANE Select); coding-DNA position 5333, C replaced by T.
Protein change: p.Ala1778Val; replaces alanine 1778 with valine.
Molecular consequence: missense variant.
Genome position (GRCh38, 1-based): chr12:132,641,692, G>A on the plus strand (C>T on the coding strand, the complement: POLE is on the minus strand). VCF-style: chr12-132641692-G-A. GRCh37 (hg19) VCF-style: chr12-133218278-G-A.
Other names: c.5333C>T (NM_006231.3, NM_006231.2); short protein forms A1778V.
Identifiers: ClinVar variation 1508880 (VCV001508880.7), dbSNP rs2138523727, ClinGen allele CA387375871.